The following is an entry in ClinVar:

ClinVar aggregate classification (germline): Likely benign. Review status: criteria provided, single submitter (1 of 4 stars). 2 submissions from 2 submitters: Likely benign (1). 1 of the submissions does not count toward it. Last evaluated 2025-12-03.

Conditions:
FAT1-related disorder. Also called: FAT1-related condition.

Allele frequency attached by ClinVar (database versions not stated): ExAC 0.00033.
gnomAD v4.1: 170 of 1,613,792 alleles (0.011%); highest among the groups gnomAD compares: Admixed American, 0.17%; no homozygotes.

Submissions (2):

Labcorp Genetics (formerly Invitae), Labcorp
Classification: Likely benign. Last evaluated: 2025-12-03. Review status: criteria provided, single submitter. Criteria: Invitae Variant Classification Sherloc (09022015). Collection method: clinical testing. Allele origin: germline.

PreventionGenetics, part of Exact Sciences
Classification: Likely benign for FAT1-related condition. Last evaluated: 2023-02-16. Review status: no assertion criteria provided. Collection method: clinical testing. Allele origin: germline. Not counted in ClinVar's aggregate classification.
Comment: This variant is classified as likely benign based on ACMG/AMP sequence variant interpretation guidelines (Richards et al. 2015 PMID: 25741868, with internal and published modifications).

NM_005245.4(FAT1):c.4117G>A (p.Val1373Ile)

Gene: FAT1 (FAT atypical cadherin 1; minus strand). Cytogenetic location: 4q35.2.
Variant type: single nucleotide variant.
Coding change: c.4117G>A on transcript NM_005245.4 (MANE Select); coding-DNA position 4117, G replaced by A.
Protein change: p.Val1373Ile; replaces valine 1373 with isoleucine.
Molecular consequence: missense variant.
Genome position (GRCh38, 1-based): chr4:186,636,091, C>T on the plus strand (G>A on the coding strand, the complement: FAT1 is on the minus strand). VCF-style: chr4-186636091-C-T. GRCh37 (hg19) VCF-style: chr4-187557245-C-T.
Other names: c.4117G>A (NM_005245.3); short protein forms V1373I.
Identifiers: ClinVar variation 2064412 (VCV002064412.6), dbSNP rs772458984, ClinGen allele CA3166816.
Genomic context (GRCh38, chr4:186,636,091, plus strand): 5'-TGTCAAACCAAAGGGGTATGCCAGGAGGCTCCACAGATATTACTCCAATCATGTGAGCAA[C>T]GGGGTCACTTTCCATCACAGTAAAGGTAAAAAATGATTCTTCAAATGAAATGGGCTCCAG-3'
Protein context (NP_005236.2, residues 1363-1383): FTFTVMESDP[Val1373Ile]AHMIGVISVE